The following is an entry in ClinVar:

NM_182972.3(IRF2BP2):c.601_619del (p.Thr201fs)

Genes: IRF2BP2 (interferon regulatory factor 2 binding protein 2; minus strand), LOC129932811 (ATAC-STARR-seq lymphoblastoid silent region 1976; plus strand). Cytogenetic location: 1q42.3.
Variant type: Deletion.
Coding change: c.601_619del on transcript NM_182972.3 (MANE Select); coding-DNA positions 601 to 619, 19 bases deleted (ACCGCGCTCGGCCTCGGCG).
Protein change: p.Thr201fs; shifts the reading frame from threonine 201.
Molecular consequence: frameshift variant.
Genome position (GRCh38, 1-based): chr1:234,608,876-234,608,894, CGCCGAGGCCGAGCGCGGT deleted on the plus strand (ACCGCGCTCGGCCTCGGCG on the coding strand, the reverse complement: IRF2BP2 is on the minus strand). VCF-style (leftmost placement, unchanged base first): chr1-234608875-CCGCCGAGGCCGAGCGCGGT-C. GRCh37 (hg19) VCF-style: chr1-234744621-CCGCCGAGGCCGAGCGCGGT-C.
Other names: c.601_619del, p.Thr201fs (NM_001077397.1); short protein forms T201fs.
Identifiers: ClinVar variation 5008874 (VCV005008874.1).
Genomic context (GRCh38, chr1:234,608,875, plus strand): 5'-GCGGAGCCCAGGCTGGCGGCCGCGGTTCCGGACACCGCGGCTAAGGAGGCGGCAGCGCGG[CCGCCGAGGCCGAGCGCGGT>C]GGGCAGCGGCGTGGCCGAGCCGTTCATGAGCGGCACCAGGGTGGGCGGCACCGCGTGGCC-3'

ClinVar aggregate classification (germline): Uncertain significance (1 of 4 stars; one submission).

Submission:

GeneDx
Classification: Uncertain significance. Last evaluated: 2026-03-14. Review status: criteria provided, single submitter. Criteria: GeneDx Variant Classification Process June 2021. Collection method: clinical testing. Allele origin: germline.
Comment: Not observed at significant frequency in large population cohorts (gnomAD); Frameshift variant predicted to result in protein truncation or nonsense mediated decay in a gene or region of a gene for which loss of function is not a well-established mechanism of disease; Has not been previously published as pathogenic or benign to our knowledge